The following is an entry in ClinVar:

NM_078470.6(COX15):c.220C>T (p.Leu74=)

Gene: COX15 (cytochrome c oxidase assembly factor COX15; minus strand). Cytogenetic location: 10q24.2.
Variant type: single nucleotide variant.
Coding change: c.220C>T on transcript NM_078470.6 (MANE Select); coding-DNA position 220, C replaced by T.
Protein change: p.Leu74=; no amino-acid change (leucine 74 retained).
Molecular consequence: synonymous variant. On other transcripts: 5 prime UTR variant (1), non-coding transcript variant (1).
Genome position (GRCh38, 1-based): chr10:99,729,605, G>A on the plus strand (C>T on the coding strand, the complement: COX15 is on the minus strand). VCF-style: chr10-99729605-G-A. GRCh37 (hg19) VCF-style: chr10-101489362-G-A.
Other names: c.220C>T, p.Leu74= (NM_001320974.2, NM_001320975.2, NM_001372024.1 and 5 more transcripts); c.-235C>T (NM_001320976.2).
Identifiers: ClinVar variation 2692774 (VCV002692774.17), dbSNP rs1446454487, ClinGen allele CA471125012.
Genomic context (GRCh38, chr10:99,729,605, plus strand): 5'-TTACTTACCTAGTTACTCCACCAAGAATAACTGCTCCAGCCACTGTTCCACTGCAGACCA[G>A]GAGCCATCGGCCCACCACCCGCTCAGCAGCCTTTGAGGGAAGGGACACTGTACCCCTTCC-3'
Protein context (NP_510870.1, residues 64-84): AAERVVGRWL[Leu74=]VCSGTVAGAV

ClinVar aggregate classification (germline): Likely benign. Review status: criteria provided, multiple submitters, no conflicts (2 of 4 stars). 2 submissions from 2 submitters: Likely benign (2). Last evaluated 2024-10-01.

Allele frequency attached by ClinVar (database versions not stated): gnomAD exomes below 0.00001.
gnomAD v4.1: 1 of 1,613,918 alleles (0.000062%); highest among the groups gnomAD compares: South Asian, 0.0011%; no homozygotes.

Submissions (2):

CeGaT Center for Human Genetics Tuebingen
Classification: Likely benign. Last evaluated: 2024-10-01. Review status: criteria provided, single submitter. Criteria: CeGaT Center For Human Genetics Tuebingen Variant Classification Criteria Version 2. Collection method: clinical testing. Allele origin: germline. Affected: yes. Observed: 1 variant allele.
Comment: COX15: BP4, BP7

Labcorp Genetics (formerly Invitae), Labcorp
Classification: Likely benign. Last evaluated: 2024-03-13. Review status: criteria provided, single submitter. Criteria: Invitae Variant Classification Sherloc (09022015). Collection method: clinical testing. Allele origin: germline.